The following is an entry in ClinVar:

NM_001040142.2(SCN2A):c.1842G>A (p.Pro614=)

Gene: SCN2A (sodium voltage-gated channel alpha subunit 2; plus strand). Cytogenetic location: 2q24.3.
Variant type: single nucleotide variant.
Coding change: c.1842G>A on transcript NM_001040142.2 (MANE Select); coding-DNA position 1842, G replaced by A.
Protein change: p.Pro614=; no amino-acid change (proline 614 retained).
Molecular consequence: synonymous variant.
Genome position (GRCh38, 1-based): chr2:165,323,326, G>A. VCF-style: chr2-165323326-G-A. GRCh37 (hg19) VCF-style: chr2-166179836-G-A.
Other names: c.1842G>A, p.Pro614= (NM_001040143.2, NM_001371246.1, NM_001371247.1 and 1 more transcripts).
Identifiers: ClinVar variation 533502 (VCV000533502.16), dbSNP rs114315466, ClinGen allele CA59736866.

ClinVar aggregate classification (germline): Likely benign. Review status: criteria provided, multiple submitters, no conflicts (2 of 4 stars). 2 submissions from 2 submitters: Likely benign (2). Last evaluated 2025-12-01.

Conditions:
Developmental and epileptic encephalopathy, 11 (DEE11). Also called: Early infantile epileptic encephalopathy 11. Identifiers: Orphanet 1934, MedGen C3150987, MONDO:0013388, OMIM 613721.
Seizures, benign familial infantile, 3 (BFIS3). Also called: CONVULSIONS, BENIGN FAMILIAL INFANTILE, 3; Familial neonatal seizures. Identifiers: Orphanet 140927, Orphanet 306, MedGen C1843140, MONDO:0011904, OMIM 607745.

Allele frequency attached by ClinVar (database versions not stated): TOPMed 0.00005; 1000 Genomes Project 30x 0.00016.
gnomAD v4.1: 44 of 1,614,132 alleles (0.0027%); highest among the groups gnomAD compares: East Asian, 0.031%; no homozygotes.

Submissions (2):

CeGaT Center for Human Genetics Tuebingen
Classification: Likely benign. Last evaluated: 2025-12-01. Review status: criteria provided, single submitter. Criteria: CeGaT Center For Human Genetics Tuebingen Variant Classification Criteria Version 2. Collection method: clinical testing. Allele origin: germline. Affected: yes. Observed: 1 variant allele.
Comment: SCN2A: BP4, BP7

Labcorp Genetics (formerly Invitae), Labcorp
Classification: Likely benign for Seizures, benign familial infantile, 3; Developmental and epileptic encephalopathy, 11. Last evaluated: 2025-09-02. Review status: criteria provided, single submitter. Criteria: Invitae Variant Classification Sherloc (09022015). Collection method: clinical testing. Allele origin: germline.